The following is an entry in ClinVar:

NM_000069.3(CACNA1S):c.2066G>A (p.Gly689Asp)

Gene: CACNA1S (calcium voltage-gated channel subunit alpha1 S; minus strand). Cytogenetic location: 1q32.1.
Variant type: single nucleotide variant.
Coding change: c.2066G>A on transcript NM_000069.3 (MANE Select); coding-DNA position 2066, G replaced by A.
Protein change: p.Gly689Asp; replaces glycine 689 with aspartic acid.
Molecular consequence: missense variant.
Genome position (GRCh38, 1-based): chr1:201,073,640, C>T on the plus strand (G>A on the coding strand, the complement: CACNA1S is on the minus strand). VCF-style: chr1-201073640-C-T. GRCh37 (hg19) VCF-style: chr1-201042768-C-T.
Other names: short protein forms G689D.
Identifiers: ClinVar variation 4217910 (VCV004217910.2).

ClinVar aggregate classification (germline): Uncertain significance. Review status: criteria provided, multiple submitters, no conflicts (2 of 4 stars). 2 submissions from 2 submitters: Uncertain significance (2). Last evaluated 2025-08-17.

Conditions:
Inborn genetic diseases. Identifiers: MedGen C0950123, MeSH D030342.
Malignant hyperthermia, susceptibility to, 5 (MHS5). Also called: CACNA1S-Related Malignant Hyperthermia Susceptibility. Identifiers: Orphanet 423, MedGen C1866077, MONDO:0011163, OMIM 601887.

gnomAD v4.1: 63 of 1,613,814 alleles (0.0039%); highest among the groups gnomAD compares: Non-Finnish European, 0.0052%; no homozygotes.

Submissions (2):

Color Diagnostics, LLC DBA Color Health
Classification: Uncertain significance for Malignant hyperthermia, susceptibility to, 5. Last evaluated: 2025-08-17. Review status: criteria provided, single submitter. Criteria: ACMG Guidelines, 2015. Collection method: clinical testing. Allele origin: germline.
Comment: This missense variant replaces glycine with aspartic acid at codon 689 of the CACNA1S protein. Computational prediction suggests that this variant may not impact protein structure and function. To our knowledge, functional studies have not been reported for this variant. This variant has not been reported in individuals affected with CACNA1S-related disorders in the literature. This variant has been identified in 1/251486 chromosomes in the general population by the Genome Aggregation Database (gnomAD). The available evidence is insufficient to determine the role of this variant in disease conclusively. Therefore, this variant is classified as a Variant of Uncertain Significance.

Ambry Genetics
Classification: Uncertain significance for Inborn genetic diseases. Last evaluated: 2025-08-11. Review status: criteria provided, single submitter. Criteria: Ambry Variant Classification Scheme 2023. Collection method: clinical testing. Allele origin: germline.